The following is an entry in ClinVar:

NM_004186.5(SEMA3F):c.778C>T (p.His260Tyr)

Gene: SEMA3F (semaphorin 3F; plus strand). Cytogenetic location: 3p21.31.
Variant type: single nucleotide variant.
Coding change: c.778C>T on transcript NM_004186.5 (MANE Select); coding-DNA position 778, C replaced by T.
Protein change: p.His260Tyr; replaces histidine 260 with tyrosine.
Molecular consequence: missense variant.
Genome position (GRCh38, 1-based): chr3:50,182,658, C>T. VCF-style: chr3-50182658-C-T. GRCh37 (hg19) VCF-style: chr3-50220091-C-T.
Other names: c.481C>T, p.His161Tyr (NM_001318798.2); c.685C>T, p.His229Tyr (NM_001318800.2); short protein forms H260Y, H161Y, H229Y.
Identifiers: ClinVar variation 4994852 (VCV004994852.1).

ClinVar aggregate classification (germline): Uncertain significance (1 of 4 stars; one submission).

Conditions:
SEMA3F-related disorder. Also called: SEMA3F-related condition.

gnomAD v4.1: 1 of 1,613,170 alleles (0.000062%); highest among the groups gnomAD compares: Admixed American, 0.0017%; no homozygotes.

Submission:

PreventionGenetics, part of Exact Sciences
Classification: Uncertain significance for SEMA3F-related condition. Last evaluated: 2026-03-17. Review status: criteria provided, single submitter. Criteria: ACMG Guidelines, 2015. Collection method: clinical testing. Allele origin: germline.
Comment: The SEMA3F c.778C>T variant is predicted to result in the amino acid substitution p.His260Tyr. To our knowledge, this variant has not been reported in the literature. This variant is reported in 0.0029% of alleles in individuals of Latino descent in gnomAD. At this time, the clinical significance of this variant is uncertain due to the absence of conclusive functional and genetic evidence.